The following is an entry in ClinVar:

ClinVar aggregate classification (germline): Uncertain significance. Review status: criteria provided, multiple submitters, no conflicts (2 of 4 stars). 3 submissions from 3 submitters: Uncertain significance (2). 1 of the submissions does not count toward it. Last evaluated 2024-04-29.

Conditions:
Familial Mediterranean fever (FMF). Also called: POLYSEROSITIS, FAMILIAL PAROXYSMAL; POLYSEROSITIS, RECURRENT; Periodic peritonitis; Benign paroxysmal peritonitis. Identifiers: Orphanet 342, MedGen C0031069, MONDO:0018088, OMIM 249100. Disease mechanism: gain of function.
Acute febrile neutrophilic dermatosis (AFND). Also called: Sweet Syndrome; Gomm Button disease. Identifiers: Orphanet 3243, MedGen C0085077, MONDO:0011959, OMIM 608068.
Familial Mediterranean fever, autosomal dominant. Also called: Dominant Familial Mediterranean Fever; FMF, AUTOSOMAL DOMINANT. Identifiers: Orphanet 342, MedGen C1851347, MONDO:0007601, OMIM 134610.

Allele frequency attached by ClinVar (database versions not stated): gnomAD exomes below 0.00001.

Submissions (3):

Fulgent Genetics
Classification: Uncertain significance for Familial Mediterranean fever, autosomal dominant; Familial Mediterranean fever; Acute febrile neutrophilic dermatosis. Last evaluated: 2024-04-29. Review status: criteria provided, single submitter. Criteria: ACMG Guidelines, 2015. Collection method: clinical testing. Allele origin: germline.

Labcorp Genetics (formerly Invitae), Labcorp
Classification: Uncertain significance for Familial Mediterranean fever. Last evaluated: 2023-08-10. Review status: criteria provided, single submitter. Criteria: Invitae Variant Classification Sherloc (09022015). Collection method: clinical testing. Allele origin: germline.
Comment: In summary, the available evidence is currently insufficient to determine the role of this variant in disease. Therefore, it has been classified as a Variant of Uncertain Significance. An algorithm developed to predict the effect of missense changes on protein structure and function (PolyPhen-2) suggests that this variant is likely to be disruptive. ClinVar contains an entry for this variant (Variation ID: 1023444). This variant has not been reported in the literature in individuals affected with MEFV-related conditions. This variant is not present in population databases (gnomAD no frequency). This sequence change replaces valine, which is neutral and non-polar, with methionine, which is neutral and non-polar, at codon 657 of the MEFV protein (p.Val657Met).

Natera, Inc.
Classification: Uncertain significance for Familial Mediterranean fever. Last evaluated: 2020-06-17. Review status: no assertion criteria provided. Collection method: clinical testing. Allele origin: germline. Not counted in ClinVar's aggregate classification.

NM_000243.3(MEFV):c.1969G>A (p.Val657Met)

Genes: MEFV (MEFV innate immunity regulator, pyrin; minus strand), LOC126862264 (CDK7 strongly-dependent group 2 enhancer GRCh37_chr16:3293322-3294521; plus strand). Cytogenetic location: 16p13.3.
Variant type: single nucleotide variant.
Coding change: c.1969G>A on transcript NM_000243.3 (MANE Select); coding-DNA position 1969, G replaced by A.
Protein change: p.Val657Met; replaces valine 657 with methionine.
Molecular consequence: missense variant. On other transcripts: 3 prime UTR variant (1).
Genome position (GRCh38, 1-based): chr16:3,243,518, C>T on the plus strand (G>A on the coding strand, the complement: MEFV is on the minus strand). VCF-style: chr16-3243518-C-T. GRCh37 (hg19) VCF-style: chr16-3293518-C-T.
Other names: c.*173G>A (NM_001198536.2); short protein forms V657M.
Identifiers: ClinVar variation 1023444 (VCV001023444.10), dbSNP rs1958892149, ClinGen allele CA394487280.